The following is an entry in ClinVar:

ClinVar aggregate classification (germline): Uncertain significance (1 of 4 stars; one submission).

gnomAD v4.1: 1 of 1,532,902 alleles (0.000065%); highest among the groups gnomAD compares: Admixed American, 0.0022%; no homozygotes.

Submission:

CeGaT Center for Human Genetics Tuebingen
Classification: Uncertain significance. Last evaluated: 2024-10-01. Review status: criteria provided, single submitter. Criteria: CeGaT Center For Human Genetics Tuebingen Variant Classification Criteria Version 2. Collection method: clinical testing. Allele origin: germline. Affected: yes. Observed: 1 variant allele.
Comment: PHIP: PM2, BP4

NM_017934.7(PHIP):c.2769+6G>C

Gene: PHIP (PHIP subunit of CUL4-Ring ligase complex; minus strand). Cytogenetic location: 6q14.1.
Variant type: single nucleotide variant.
Coding change: c.2769+6G>C on transcript NM_017934.7 (MANE Select); 6 bases into the intron after coding-DNA position 2769, G replaced by C.
Molecular consequence: intron variant.
Genome position (GRCh38, 1-based): chr6:78,982,880, C>G on the plus strand (G>C on the coding strand, the complement: PHIP is on the minus strand). VCF-style: chr6-78982880-C-G. GRCh37 (hg19) VCF-style: chr6-79692597-C-G.
Identifiers: ClinVar variation 3389997 (VCV003389997.14).